The following is an entry in ClinVar:

NM_020822.3(KCNT1):c.1945T>A (p.Ser649Thr)

Gene: KCNT1 (potassium sodium-activated channel subfamily T member 1; plus strand). Cytogenetic location: 9q34.3.
Variant type: single nucleotide variant.
Coding change: c.1945T>A on transcript NM_020822.3 (MANE Select); coding-DNA position 1945, T replaced by A.
Protein change: p.Ser649Thr; replaces serine 649 with threonine.
Molecular consequence: missense variant.
Genome position (GRCh38, 1-based): chr9:135,771,032, T>A. VCF-style: chr9-135771032-T-A. GRCh37 (hg19) VCF-style: chr9-138662878-T-A.
Other names: c.1810T>A, p.Ser604Thr (NM_001272003.2); short protein forms S604T, S649T.
Identifiers: ClinVar variation 3750396 (VCV003750396.2).

ClinVar aggregate classification (germline): Uncertain significance (1 of 4 stars; one submission).

Conditions:
Autosomal dominant nocturnal frontal lobe epilepsy 5. Also called: KCNT1-Related Epilepsy; CILIARY DYSKINESIA, PRIMARY, 28, WITHOUT SITUS INVERSUS; CILIARY DYSKINESIA, PRIMARY, 28, WITH SITUS INVERSUS; Epilepsy, nocturnal frontal lobe, 5. Identifiers: Orphanet 98784, MedGen C3554306, MONDO:0014002, OMIM 615005.
Developmental and epileptic encephalopathy, 14 (DEE14). Also called: Early infantile epileptic encephalopathy 14. Identifiers: Orphanet 293181, MedGen C3554195, MONDO:0013989, OMIM 614959.

Submission:

Labcorp Genetics (formerly Invitae), Labcorp
Classification: Uncertain significance for Autosomal dominant nocturnal frontal lobe epilepsy 5; Developmental and epileptic encephalopathy, 14. Last evaluated: 2025-01-27. Review status: criteria provided, single submitter. Criteria: Invitae Variant Classification Sherloc (09022015). Collection method: clinical testing. Allele origin: germline.
Comment: This sequence change replaces serine, which is neutral and polar, with threonine, which is neutral and polar, at codon 649 of the KCNT1 protein (p.Ser649Thr). This variant is not present in population databases (gnomAD no frequency). This variant has not been reported in the literature in individuals affected with KCNT1-related conditions. Invitae Evidence Modeling of protein sequence and biophysical properties (such as structural, functional, and spatial information, amino acid conservation, physicochemical variation, residue mobility, and thermodynamic stability) indicates that this missense variant is not expected to disrupt KCNT1 protein function with a negative predictive value of 80%. In summary, the available evidence is currently insufficient to determine the role of this variant in disease. Therefore, it has been classified as a Variant of Uncertain Significance.